The following is an entry in ClinVar:

NM_000077.5(CDKN2A):c.102G>A (p.Ala34=)

Gene: CDKN2A (cyclin dependent kinase inhibitor 2A; minus strand). Cytogenetic location: 9p21.3.
Variant type: single nucleotide variant.
Coding change: c.102G>A on transcript NM_000077.5; coding-DNA position 102, G replaced by A.
Protein change: p.Ala34=; no amino-acid change (alanine 34 retained).
Molecular consequence: synonymous variant (on NM_000077.6). On other transcripts: intron variant (2).
Genome position (GRCh38, 1-based): chr9:21,974,726, C>T on the plus strand (G>A on the coding strand, the complement: CDKN2A is on the minus strand). VCF-style: chr9-21974726-C-T. GRCh37 (hg19) VCF-style: chr9-21974725-C-T.
Other names: c.102G>A, p.Ala34= (NM_000077.6, NM_001195132.2, NM_058197.5); c.-3-3518G>A (NM_001363763.2); c.194-3518G>A (NM_058195.4).
Identifiers: ClinVar variation 2791115 (VCV002791115.4), dbSNP rs780780607, ClinGen allele CA464100143.

ClinVar aggregate classification (germline): Benign/Likely benign. Review status: criteria provided, multiple submitters, no conflicts (2 of 4 stars). 2 submissions from 2 submitters: Benign (1); Likely benign (1). Last evaluated 2025-09-22.

Conditions:
Familial melanoma. Also called: Hereditary melanoma; Hereditary cutaneous melanoma. Identifiers: Orphanet 618, MedGen C1512419, MONDO:0018961.
Melanoma-pancreatic cancer syndrome. Identifiers: Orphanet 404560, MedGen C1838547, MONDO:0011713, OMIM 606719. Disease mechanism: loss of function.

Submissions (2):

Labcorp Genetics (formerly Invitae), Labcorp
Classification: Likely benign for Familial melanoma. Last evaluated: 2025-09-22. Review status: criteria provided, single submitter. Criteria: Invitae Variant Classification Sherloc (09022015). Collection method: clinical testing. Allele origin: germline.

Myriad Genetics, Inc.
Classification: Benign for Melanoma-pancreatic cancer syndrome. Last evaluated: 2025-08-13. Review status: criteria provided, single submitter. Criteria: Myriad Autosomal Dominant, Autosomal Recessive and X-Linked Classification Criteria (2023). Collection method: clinical testing. Allele origin: unknown.
Comment: This variant is considered benign. This variant is a silent/synonymous amino acid change and it is not expected to impact splicing.